The following is an entry in ClinVar:

ClinVar aggregate classification (germline): Likely pathogenic (0 of 4 stars; one submission).

Conditions:
Weill-Marchesani 4 syndrome, recessive. Also called: Weill-Marchesani syndrome 4. Identifiers: Orphanet 363992, MedGen C2750787, MONDO:0013176, OMIM 613195.

Submission:

Research Laboratory of Ophthalmology and Vision Sciences, West China Hospital, Sichuan University
Classification: Likely pathogenic for Weill-Marchesani 4 syndrome, recessive. Last evaluated: 2021-08-03. Review status: no assertion criteria provided. Collection method: clinical testing. Allele origin: maternal, unknown. Inheritance: Autosomal recessive inheritance. Affected: yes and no. Observed: 3 variant alleles, 2 heterozygotes, 1 compound heterozygote. Clinical features observed: Myopia (HP:0000545), Raised intraocular pressure (HP:0007906), Iridodonesis (HP:0100693), Brachydactyly (HP:0001156), Spherophakia.
Comment: The c.2254A>G variant in ADAMTS17 was identified in a Chinese family with autosomal recessive Weill-Marchesani syndrome, which was compound heterozygous with the c.2984G>A variant and segregated in this family of five individuals. The c.2254A>G variant was absent from large population studies and has not been reported. In addition, the locus is highly conserved in various animals, and the variant was suggested to be damaging in some in silico prediction programs. Thus, we consider this variant as likely pathogenic.

NM_139057.4(ADAMTS17):c.2254A>G (p.Ile752Val)

Gene: ADAMTS17 (ADAM metallopeptidase with thrombospondin type 1 motif 17; minus strand). Cytogenetic location: 15q26.3.
Variant type: single nucleotide variant.
Coding change: c.2254A>G on transcript NM_139057.4 (MANE Select); coding-DNA position 2254, A replaced by G.
Protein change: p.Ile752Val; replaces isoleucine 752 with valine.
Molecular consequence: missense variant.
Genome position (GRCh38, 1-based): chr15:100,053,938, T>C on the plus strand (A>G on the coding strand, the complement: ADAMTS17 is on the minus strand). VCF-style: chr15-100053938-T-C. GRCh37 (hg19) VCF-style: chr15-100594143-T-C.
Other names: short protein forms I752V.
Identifiers: ClinVar variation 1210284 (VCV001210284.3), dbSNP rs2141600468, ClinGen allele CA393693732.